The following is an entry in ClinVar:

ClinVar aggregate classification (germline): Uncertain significance (1 of 4 stars; one submission).

gnomAD v4.1: 1 of 1,614,092 alleles (0.000062%); highest among the groups gnomAD compares: Non-Finnish European, 0.000085%; no homozygotes.

Submission:

GeneDx
Classification: Uncertain significance. Last evaluated: 2026-02-13. Review status: criteria provided, single submitter. Criteria: GeneDx Variant Classification Process June 2021. Collection method: clinical testing. Allele origin: germline.
Comment: Not observed at significant frequency in large population cohorts (gnomAD); In silico analysis supports that this missense variant has a deleterious effect on protein structure/function; Has not been previously published as pathogenic or benign to our knowledge

NM_138691.3(TMC1):c.2045A>G (p.Glu682Gly)

Gene: TMC1 (transmembrane channel like 1; plus strand). Cytogenetic location: 9q21.13.
Variant type: single nucleotide variant.
Coding change: c.2045A>G on transcript NM_138691.3 (MANE Select); coding-DNA position 2045, A replaced by G.
Protein change: p.Glu682Gly; replaces glutamic acid 682 with glycine.
Molecular consequence: missense variant.
Genome position (GRCh38, 1-based): chr9:72,826,910, A>G. VCF-style: chr9-72826910-A-G. GRCh37 (hg19) VCF-style: chr9-75441826-A-G.
Other names: short protein forms E682G.
Identifiers: ClinVar variation 4976409 (VCV004976409.1).
Genomic context (GRCh38, chr9:72,826,910, plus strand): 5'-CCCTTTTTAATTCCCCCAGTGGCAAAAATAGAATGTTTGAAGTCATTGGAGAGACCCTGG[A>G]GCACGATTTCCCAAGCTGGATGGCGAAGATCTTGAGACAGCTTTCAAACCCTGGGCTGGT-3'
Protein context (NP_619636.2, residues 672-692): RMFEVIGETL[Glu682Gly]HDFPSWMAKI